The following is an entry in ClinVar:

NM_182977.3(NNT):c.3112-3C>T

Gene: NNT (nicotinamide nucleotide transhydrogenase; plus strand). Cytogenetic location: 5p12.
Variant type: single nucleotide variant.
Coding change: c.3112-3C>T on transcript NM_182977.3 (MANE Select); 3 bases into the intron before coding-DNA position 3112, C replaced by T.
Molecular consequence: intron variant.
Genome position (GRCh38, 1-based): chr5:43,704,252, C>T. VCF-style: chr5-43704252-C-T. GRCh37 (hg19) VCF-style: chr5-43704354-C-T.
Other names: c.3112-3C>T (NM_012343.4); c.2719-3C>T (NM_001331026.2).
Identifiers: ClinVar variation 1981983 (VCV001981983.3), dbSNP rs201769324, ClinGen allele CA3258432.

ClinVar aggregate classification (germline): Uncertain significance. Review status: criteria provided, multiple submitters, no conflicts (2 of 4 stars). 3 submissions from 3 submitters: Uncertain significance (3). Last evaluated 2022-02-28.

Conditions:
Inborn genetic diseases. Identifiers: MedGen C0950123, MeSH D030342.

Allele frequency attached by ClinVar (database versions not stated): gnomAD exomes 0.00005; ExAC 0.00021; ESP Exome Variant Server 0.00023; 1000 Genomes Project 30x 0.00031; 1000 Genomes Project 0.00040; TOPMed 0.00041; gnomAD 0.00044.
gnomAD v4.1: 150 of 1,555,510 alleles (0.0096%); highest among the groups gnomAD compares: African/African-American, 0.099%; no homozygotes.

Submissions (3):

Ambry Genetics
Classification: Uncertain significance for Inborn genetic diseases. Last evaluated: 2022-02-28. Review status: criteria provided, single submitter. Criteria: Ambry Variant Classification Scheme 2023. Collection method: clinical testing. Allele origin: germline.
Comment: The c.3112-3C>T intronic alteration consists of a C to T substitution 3 nucleotides before exon 22 (coding exon 21) of the NNT gene. Based on insufficient or conflicting evidence, the clinical significance of this alteration remains unclear.

Labcorp Genetics (formerly Invitae), Labcorp
Classification: Uncertain significance. Last evaluated: 2022-01-16. Review status: criteria provided, single submitter. Criteria: Invitae Variant Classification Sherloc (09022015). Collection method: clinical testing. Allele origin: germline.
Comment: This sequence change falls in intron 21 of the NNT gene. It does not directly change the encoded amino acid sequence of the NNT protein. It affects a nucleotide within the consensus splice site. This variant is present in population databases (rs201769324, gnomAD 0.1%). This variant has not been reported in the literature in individuals affected with NNT-related conditions. Variants that disrupt the consensus splice site are a relatively common cause of aberrant splicing (PMID: 17576681, 9536098). Algorithms developed to predict the effect of sequence changes on RNA splicing suggest that this variant is not likely to affect RNA splicing. In summary, the available evidence is currently insufficient to determine the role of this variant in disease. Therefore, it has been classified as a Variant of Uncertain Significance.

Breakthrough Genomics
Classification: Uncertain significance. Review status: criteria provided, single submitter. Criteria: ACMG Guidelines, 2015. Collection method: not provided. Allele origin: germline. Inheritance: Autosomal recessive inheritance. Affected: yes.

Literature cited by the submitters: PubMed 17576681 (cited by Labcorp Genetics (formerly Invitae), Labcorp); PubMed 9536098 (cited by Labcorp Genetics (formerly Invitae), Labcorp).